The following is an entry in ClinVar:

ClinVar aggregate classification (germline): Uncertain significance. Review status: criteria provided, multiple submitters, no conflicts (2 of 4 stars). 2 submissions from 2 submitters: Uncertain significance (2). Last evaluated 2025-06-25.

Conditions:
VWF-related disorder. Also called: VWF-related condition; VWF-related disorders.

Allele frequency attached by ClinVar (database versions not stated): TOPMed below 0.00001; ExAC 0.00001; gnomAD 0.00001.
gnomAD v4.1: 15 of 1,613,766 alleles (0.00093%); highest among the groups gnomAD compares: East Asian, 0.011%; no homozygotes.

Submissions (2):

PreventionGenetics, part of Exact Sciences
Classification: Uncertain significance for VWF-related condition. Last evaluated: 2025-06-25. Review status: criteria provided, single submitter. Criteria: ACMG Guidelines, 2015. Collection method: clinical testing. Allele origin: germline.
Comment: The VWF c.3292G>A variant is predicted to result in the amino acid substitution p.Ala1098Thr. To our knowledge, this variant has not been reported in the literature. This variant is reported in 0.010% of alleles in individuals of East Asian descent in gnomAD. At this time, the clinical significance of this variant is uncertain due to the absence of conclusive functional and genetic evidence.

MVZ Dr. Eberhard & Partner Dortmund
Classification: Uncertain significance. Last evaluated: 2022-07-08. Review status: criteria provided, single submitter. Criteria: ACMG Guidelines, 2015. Collection method: clinical testing. Allele origin: unknown. Observed: 2 variant alleles.
Comment: This variant potentially produces a missense substitution in the protein sequence from Alanine to Threonine. It is not present in literature or mutation databases. The variant was present in control databases such as GnomAD with a frequency of 0.0018 % in different ethnicities. The amino acid at position 1098 is not highly conserved with some mamal species showing Threonine at the position. In silico algorithms do not show a deleterious effect on the gene product.

NM_000552.5(VWF):c.3292G>A (p.Ala1098Thr)

Gene: VWF (von Willebrand factor; minus strand). Cytogenetic location: 12p13.31.
Variant type: single nucleotide variant.
Coding change: c.3292G>A on transcript NM_000552.5 (MANE Select); coding-DNA position 3292, G replaced by A.
Protein change: p.Ala1098Thr; replaces alanine 1098 with threonine.
Molecular consequence: missense variant.
Genome position (GRCh38, 1-based): chr12:6,023,718, C>T on the plus strand (G>A on the coding strand, the complement: VWF is on the minus strand). VCF-style: chr12-6023718-C-T. GRCh37 (hg19) VCF-style: chr12-6132884-C-T.
Other names: short protein forms A1098T.
Identifiers: ClinVar variation 1802692 (VCV001802692.3), dbSNP rs755385279, ClinGen allele CA6402781.